The following is an entry in ClinVar:

ClinVar aggregate classification (germline): not provided. Review status: no classification provided (0 of 4 stars). 4 submissions from 1 submitter: not provided (4).

Conditions:
Preeclampsia. Identifiers: Orphanet 275555, MedGen C0032914, MONDO:0005081, HP:0100602.
Normal pregnancy. Identifiers: MedGen C0232989.
Small for gestational age. Also called: Low birth weight. Identifiers: MedGen C0235991, HP:0001518.
Gestational diabetes mellitus uncontrolled. Identifiers: MedGen C3532257.

Submissions (4):

Institute of Molecular and Cell Biology, University of Tartu
No classification provided. Condition: Normal pregnancy. Review status: no classification provided. Collection method: case-control. Allele origin: unknown. Affected: yes. Study: Kasak2014.
Comment: The study aimed to determine the contribution of copy number variants in the genetic etiology of normal and complicated pregnancies. The samples represented (i) maternal blood DNA drawn from healthy pregnant women during 1st or 2nd trimester and (ii) maternal and paternal blood DNA drawn at term pregnancy cases representing normal and complicated gestations (severe preeclampsia, PE; gestational diabetes, GD; small-for-gestational age newborn, SGA; large-for-gestational age newborn, LGA). We performed CNV calling based on genome-wide genotyping dataset (Illumina HumanOmniExpress-24-v1 BeadChip) by applying three algorithms, QuantiSNP, GADA (Genome Alteration Detection Algorithm) and CNstream in parallel. The acquired CNV calls were merged with HD-CNV (Hotspot Detector for Copy Number Variants) program and only the CNVs predicted by at least two programs, were considered in subsequent analysis.

Institute of Molecular and Cell Biology, University of Tartu
No classification provided. Condition: Small for gestational age. Review status: no classification provided. Collection method: case-control. Allele origin: unknown. Affected: yes. Study: Kasak2014.
Comment: the same text as in the submission from Institute of Molecular and Cell Biology, University of Tartu above.

Institute of Molecular and Cell Biology, University of Tartu
No classification provided. Condition: Preeclampsia. Review status: no classification provided. Collection method: case-control. Allele origin: unknown. Affected: yes. Study: Kasak2014.
Comment: the same text as in the submission from Institute of Molecular and Cell Biology, University of Tartu above.

Institute of Molecular and Cell Biology, University of Tartu
No classification provided. Condition: Gestational diabetes mellitus uncontrolled. Review status: no classification provided. Collection method: case-control. Allele origin: unknown. Affected: yes. Study: Kasak2014.
Comment: the same text as in the submission from Institute of Molecular and Cell Biology, University of Tartu above.

Literature cited by the submitters: PubMed 25666259.

NC_000014.9:g.90322590_90335706dup

Genes: NRDE2 (NRDE-2, necessary for RNA interference, domain containing; minus strand), LOC130056269 (ATAC-STARR-seq lymphoblastoid active region 8875; plus strand), LOC130056270 (ATAC-STARR-seq lymphoblastoid silent region 6006; plus strand). Cytogenetic location: 14q32.11.
Variant type: Duplication.
Identifiers: ClinVar variation 157320 (VCV000157320.2).